The following is an entry in ClinVar:

NM_020791.4(TAOK1):c.2544+5A>G

Gene: TAOK1 (TAO kinase 1; plus strand). Cytogenetic location: 17q11.2.
Variant type: single nucleotide variant.
Coding change: c.2544+5A>G on transcript NM_020791.4 (MANE Select); 5 bases into the intron after coding-DNA position 2544, A replaced by G.
Molecular consequence: intron variant.
Genome position (GRCh38, 1-based): chr17:29,534,305, A>G. VCF-style: chr17-29534305-A-G. GRCh37 (hg19) VCF-style: chr17-27861323-A-G.
Other names: c.2100+5A>G (NM_025142.1); c.2544+5A>G (NM_020791.2).
Identifiers: ClinVar variation 2647614 (VCV002647614.25), dbSNP rs79913657, ClinGen allele CA8474877.
Genomic context (GRCh38, chr17:29,534,305, plus strand): 5'-AGCTTCGCGAGCTTGAACAGAGGGTCTCCCTCCGGAGGGCACTCTTAGAACAAAAGGTAT[A>G]AGTAATAGAAGGAAAAATCATTGTTTTCGAATTAGCTTTTGTCAGAAGCGTTTTATAAAT-3'

ClinVar aggregate classification (germline): Likely benign. Review status: criteria provided, single submitter (1 of 4 stars). 2 submissions from 2 submitters: Likely benign (1). 1 of the submissions does not count toward it. Last evaluated 2026-08-01.

Conditions:
TAOK1-related disorder. Also called: TAOK1-related condition.

Allele frequency attached by ClinVar (database versions not stated): 1000 Genomes Project 0.00080; 1000 Genomes Project 30x 0.00094; TOPMed 0.00265; ESP Exome Variant Server 0.00269; gnomAD 0.00271; ExAC 0.00369; gnomAD exomes 0.00384.
gnomAD v4.1: 5,661 of 1,530,902 alleles (0.37%); highest among the groups gnomAD compares: Non-Finnish European, 0.44%; 12 homozygotes.

Submissions (2):

CeGaT Center for Human Genetics Tuebingen
Classification: Likely benign. Last evaluated: 2026-08-01. Review status: criteria provided, single submitter. Criteria: CeGaT Center For Human Genetics Tuebingen Variant Classification Criteria Version 2. Collection method: clinical testing. Allele origin: germline. Affected: yes. Observed: 12 variant alleles.
Comment: TAOK1: BP4, BS1

PreventionGenetics, part of Exact Sciences
Classification: Benign for TAOK1-related condition. Last evaluated: 2022-02-23. Review status: no assertion criteria provided. Collection method: clinical testing. Allele origin: germline. Not counted in ClinVar's aggregate classification.
Comment: This variant is classified as benign based on ACMG/AMP sequence variant interpretation guidelines (Richards et al. 2015 PMID: 25741868, with internal and published modifications).